The following is an entry in ClinVar:

NM_001105206.3(LAMA4):c.503+88A>C

Gene: LAMA4 (laminin subunit alpha 4; minus strand). Cytogenetic location: 6q21.
Variant type: single nucleotide variant.
Coding change: c.503+88A>C on transcript NM_001105206.3 (MANE Select); 88 bases into the intron after coding-DNA position 503, A replaced by C.
Molecular consequence: intron variant.
Genome position (GRCh38, 1-based): chr6:112,201,520, T>G on the plus strand (A>C on the coding strand, the complement: LAMA4 is on the minus strand). VCF-style: chr6-112201520-T-G. GRCh37 (hg19) VCF-style: chr6-112522721-T-G.
Other names: c.503+88A>C (NM_002290.5, NM_001105207.3).
Identifiers: ClinVar variation 675676 (VCV000675676.1), dbSNP rs185981787, ClinGen allele CA144888971.

ClinVar aggregate classification (germline): Likely benign (1 of 4 stars; one submission).

Allele frequency attached by ClinVar (database versions not stated): gnomAD exomes 0.00054; 1000 Genomes Project 0.00319; 1000 Genomes Project 30x 0.00375; gnomAD 0.00510 and 0.00556; TOPMed 0.00571.
gnomAD v4.1: 1,313 of 1,086,182 alleles (0.12%); highest among the groups gnomAD compares: African/African-American, 1.8%; 16 homozygotes.

Submission:

GeneDx
Classification: Likely benign. Last evaluated: 2018-06-16. Review status: criteria provided, single submitter. Criteria: GeneDx Variant Classification (06012015). Collection method: clinical testing. Allele origin: germline. Affected: yes.
Comment: This variant is considered likely benign or benign based on one or more of the following criteria: it is a conservative change, it occurs at a poorly conserved position in the protein, it is predicted to be benign by multiple in silico algorithms, and/or has population frequency not consistent with disease.